The following is an entry in ClinVar:

ClinVar aggregate classification (germline): Uncertain significance. Review status: criteria provided, multiple submitters, no conflicts (2 of 4 stars). 2 submissions from 2 submitters: Uncertain significance (2). Last evaluated 2026-06-22.

Conditions:
TTN-related disorder. Also called: TTN-related condition; TTN-related disease; TTN-related disorders.

Allele frequency attached by ClinVar (database versions not stated): ExAC 0.00001; gnomAD 0.00001; gnomAD exomes 0.00001; TOPMed 0.00002.
gnomAD v4.1: 8 of 1,612,202 alleles (0.0005%); highest among the groups gnomAD compares: African/African-American, 0.0067%; no homozygotes.

Submissions (2):

PreventionGenetics, part of Exact Sciences
Classification: Uncertain significance for TTN-related condition. Last evaluated: 2026-06-22. Review status: criteria provided, single submitter. Criteria: ACMG Guidelines, 2015. Collection method: clinical testing. Allele origin: germline.
Comment: The TTN c.76141G>A variant is predicted to result in the amino acid substitution p.Ala25381Thr. To our knowledge, this variant has not been reported in the literature. This variant is reported in 0.0029% of alleles in individuals of Latino descent in gnomAD. At this time, the clinical significance of this variant is uncertain due to the absence of conclusive functional and genetic evidence.

Revvity Omics, Revvity
Classification: Uncertain significance. Last evaluated: 2019-04-26. Review status: criteria provided, single submitter. Criteria: ACMG Guidelines, 2015. Collection method: clinical testing. Allele origin: germline.

NM_001267550.2(TTN):c.76141G>A (p.Ala25381Thr)

Genes: TTN (titin; minus strand), TTN-AS1 (TTN antisense RNA 1; plus strand). Cytogenetic location: 2q31.2.
Variant type: single nucleotide variant.
Coding change: c.76141G>A on transcript NM_001267550.2 (MANE Select); coding-DNA position 76141, G replaced by A.
Protein change: p.Ala25381Thr; replaces alanine 25381 with threonine.
Molecular consequence: missense variant.
Genome position (GRCh38, 1-based): chr2:178,569,991, C>T on the plus strand (G>A on the coding strand, the complement: TTN is on the minus strand). VCF-style: chr2-178569991-C-T. GRCh37 (hg19) VCF-style: chr2-179434718-C-T.
Other names: c.71218G>A, p.Ala23740Thr (NM_001256850.1); c.48946G>A, p.Ala16316Thr (NM_003319.4); c.68437G>A, p.Ala22813Thr (NM_133378.4); c.49321G>A, p.Ala16441Thr (NM_133432.3); c.49522G>A, p.Ala16508Thr (NM_133437.4); short protein forms A16316T, A16441T, A16508T, A22813T, A23740T, A25381T.
Identifiers: ClinVar variation 2437607 (VCV002437607.4), dbSNP rs763636099, ClinGen allele CA1989946.